The following is an entry in ClinVar:

NM_004656.4(BAP1):c.375+5G>C

Gene: BAP1 (BRCA1 associated deubiquitinase 1; minus strand). Cytogenetic location: 3p21.1.
Variant type: single nucleotide variant.
Coding change: c.375+5G>C on transcript NM_004656.4 (MANE Select); 5 bases into the intron after coding-DNA position 375, G replaced by C.
Molecular consequence: intron variant.
Genome position (GRCh38, 1-based): chr3:52,407,953, C>G on the plus strand (G>C on the coding strand, the complement: BAP1 is on the minus strand). VCF-style: chr3-52407953-C-G. GRCh37 (hg19) VCF-style: chr3-52441969-C-G.
Identifiers: ClinVar variation 824159 (VCV000824159.10), dbSNP rs1578227385, ClinGen allele CA915942502.
Genomic context (GRCh38, chr3:52,407,953, plus strand): 5'-CAGTGGCCCTCAGGGTCAGATCTGCCCAGTTGGCTGTGAGCCAGGATGAAGGCACTGCAG[C>G]CTACCTCAGGGCTGAAACCCTTGGTGAAGTCCTTCATGCGACTCAGGGTGGGTCCCAGGT-3'

ClinVar aggregate classification (germline): Uncertain significance. Review status: criteria provided, multiple submitters, no conflicts (2 of 4 stars). 2 submissions from 2 submitters: Uncertain significance (2). Last evaluated 2025-08-20.

Conditions:
BAP1-related tumor predisposition syndrome (TPDS1). Also called: TUMOR PREDISPOSITION SYNDROME 1; COMMON Syndrome; Tumor susceptibility linked to germline BAP1 mutations; BAP1 tumor predisposition syndrome. Identifiers: Orphanet 289539, MedGen C3280492, MONDO:0013692, OMIM 614327.
Hereditary cancer-predisposing syndrome. Also called: Neoplastic Syndromes, Hereditary; Tumor predisposition; Hereditary neoplastic syndrome; Hereditary Cancer Syndrome. Identifiers: Orphanet 140162, MedGen C0027672, MeSH D009386, MONDO:0015356.

Submissions (2):

Labcorp Genetics (formerly Invitae), Labcorp
Classification: Uncertain significance for BAP1-related tumor predisposition syndrome. Last evaluated: 2025-08-20. Review status: criteria provided, single submitter. Criteria: Invitae Variant Classification Sherloc (09022015). Collection method: clinical testing. Allele origin: germline.
Comment: This sequence change falls in intron 5 of the BAP1 gene. It does not directly change the encoded amino acid sequence of the BAP1 protein. It affects a nucleotide within the consensus splice site. This variant is not present in population databases (gnomAD no frequency). This variant has not been reported in the literature in individuals affected with BAP1-related conditions. ClinVar contains an entry for this variant (Variation ID: 824159). Variants that disrupt the consensus splice site are a relatively common cause of aberrant splicing (PMID: 17576681, 9536098). Studies have shown that this variant is associated with inconclusive levels of altered splicing (internal data). In summary, the available evidence is currently insufficient to determine the role of this variant in disease. Therefore, it has been classified as a Variant of Uncertain Significance.

Ambry Genetics
Classification: Uncertain significance for Hereditary cancer-predisposing syndrome. Last evaluated: 2025-04-07. Review status: criteria provided, single submitter. Criteria: Ambry Variant Classification Scheme 2023. Collection method: clinical testing. Allele origin: germline.
Comment: The c.375+5G>C intronic variant results from a G to C substitution 5 nucleotides after coding exon 5 in the BAP1 gene. This nucleotide position is highly conserved in available vertebrate species. In silico splice site analysis predicts that this alteration will not have any significant effect on splicing; however, direct evidence is insufficient at this time (Ambry internal data). Based on the available evidence, the clinical significance of this variant remains unclear.

Literature cited by the submitters: PubMed 17576681 (cited by Labcorp Genetics (formerly Invitae), Labcorp); PubMed 9536098 (cited by Labcorp Genetics (formerly Invitae), Labcorp).